The following is an entry in ClinVar:

NM_001128840.3(CACNA1D):c.5921C>T (p.Pro1974Leu)

Gene: CACNA1D (calcium voltage-gated channel subunit alpha1 D; plus strand). Cytogenetic location: 3p21.1.
Variant type: single nucleotide variant.
Coding change: c.5921C>T on transcript NM_001128840.3 (MANE Select); coding-DNA position 5921, C replaced by T.
Protein change: p.Pro1974Leu; replaces proline 1974 with leucine.
Molecular consequence: missense variant.
Genome position (GRCh38, 1-based): chr3:53,810,027, C>T. VCF-style: chr3-53810027-C-T. GRCh37 (hg19) VCF-style: chr3-53844054-C-T.
Other names: c.5981C>T, p.Pro1994Leu (NM_000720.4); c.5849C>T, p.Pro1950Leu (NM_001128839.3); c.5981C>T (NM_000720.2); short protein forms P1950L, P1994L, P1974L.
Identifiers: ClinVar variation 1985974 (VCV001985974.5), dbSNP rs761898369, ClinGen allele CA2455320.

ClinVar aggregate classification (germline): Uncertain significance. Review status: criteria provided, multiple submitters, no conflicts (2 of 4 stars). 2 submissions from 2 submitters: Uncertain significance (2). Last evaluated 2026-01-26.

Conditions:
Inborn genetic diseases. Identifiers: MedGen C0950123, MeSH D030342.

Allele frequency attached by ClinVar (database versions not stated): gnomAD exomes 0.00001; TOPMed 0.00001; ExAC 0.00004.
gnomAD v4.1: 21 of 1,614,004 alleles (0.0013%); highest among the groups gnomAD compares: South Asian, 0.0088%; no homozygotes.

Submissions (2):

Labcorp Genetics (formerly Invitae), Labcorp
Classification: Uncertain significance. Last evaluated: 2026-01-26. Review status: criteria provided, single submitter. Criteria: Invitae Variant Classification Sherloc (09022015). Collection method: clinical testing. Allele origin: germline.
Comment: This sequence change replaces proline, which is neutral and non-polar, with leucine, which is neutral and non-polar, at codon 1994 of the CACNA1D protein (p.Pro1994Leu). This variant is present in population databases (rs761898369, gnomAD 0.01%). This variant has not been reported in the literature in individuals affected with CACNA1D-related conditions. ClinVar contains an entry for this variant (Variation ID: 1985974). An algorithm developed to predict the effect of missense changes on protein structure and function (PolyPhen-2) suggests that this variant is likely to be disruptive. In summary, the available evidence is currently insufficient to determine the role of this variant in disease. Therefore, it has been classified as a Variant of Uncertain Significance.

Ambry Genetics
Classification: Uncertain significance for Inborn genetic diseases. Last evaluated: 2025-05-30. Review status: criteria provided, single submitter. Criteria: Ambry Variant Classification Scheme 2023. Collection method: clinical testing. Allele origin: germline.